The following is an entry in ClinVar:

NM_012128.4(CLCA4):c.1369C>T (p.His457Tyr)

Genes: CLCA4 (chloride channel accessory 4; plus strand), CLCA4-AS1 (CLCA4 antisense RNA 1; minus strand). Cytogenetic location: 1p22.3.
Variant type: single nucleotide variant.
Coding change: c.1369C>T on transcript NM_012128.4 (MANE Select); coding-DNA position 1369, C replaced by T.
Protein change: p.His457Tyr; replaces histidine 457 with tyrosine.
Molecular consequence: missense variant. On other transcripts: non-coding transcript variant (1).
Genome position (GRCh38, 1-based): chr1:86,572,622, C>T. VCF-style: chr1-86572622-C-T. GRCh37 (hg19) VCF-style: chr1-87038305-C-T.
Other names: short protein forms H457Y.
Identifiers: ClinVar variation 3234621 (VCV003234621.20), dbSNP rs1162931680, ClinGen allele CA340995832.

ClinVar aggregate classification (germline): Uncertain significance (1 of 4 stars; one submission).

gnomAD v4.1: 1 of 1,593,974 alleles (0.000063%); no homozygotes.

Submission:

CeGaT Center for Human Genetics Tuebingen
Classification: Uncertain significance. Last evaluated: 2024-03-01. Review status: criteria provided, single submitter. Criteria: CeGaT Center For Human Genetics Tuebingen Variant Classification Criteria Version 2. Collection method: clinical testing. Allele origin: germline. Affected: yes. Observed: 1 variant allele.
Comment: CLCA4: PM2, BP4